The following is an entry in ClinVar:

ClinVar aggregate classification (germline): Pathogenic. Review status: criteria provided, multiple submitters, no conflicts (2 of 4 stars). 4 submissions from 4 submitters: Pathogenic (3). 1 of the submissions does not count toward it. Last evaluated 2023-08-29.

Conditions:
DOK7-related disorder. Also called: DOK7-related condition.
Fetal akinesia deformation sequence 1 (FADS1). Also called: Fetal akinesia sequence; Pena-Shokeir syndrome type I. Identifiers: Orphanet 994, MedGen C1276035, MONDO:0100101, OMIM 208150, HP:0001989.
Congenital myasthenic syndrome 10. Also called: Myasthenia, limb-girdle, familial. Identifiers: Orphanet 590, MedGen C1850792, MONDO:0009690, OMIM 254300.
Fetal akinesia deformation sequence 3. Identifiers: MedGen C4760599, MONDO:0100103, OMIM 618389.

gnomAD v4.1: 1 of 1,613,892 alleles (0.000062%); highest among the groups gnomAD compares: Admixed American, 0.0017%; no homozygotes.

Submissions (4):

Labcorp Genetics (formerly Invitae), Labcorp
Classification: Pathogenic for Congenital myasthenic syndrome 10; Fetal akinesia deformation sequence 1. Last evaluated: 2023-08-29. Review status: criteria provided, single submitter. Criteria: Invitae Variant Classification Sherloc (09022015). Collection method: clinical testing. Allele origin: germline.
Comment: ClinVar contains an entry for this variant (Variation ID: 950584). This sequence change creates a premature translational stop signal (p.Tyr160*) in the DOK7 gene. It is expected to result in an absent or disrupted protein product. Loss-of-function variants in DOK7 are known to be pathogenic (PMID: 16794080, 16917026, 18626973, 19261599). This variant is present in population databases (no rsID available, gnomAD 0.003%). This premature translational stop signal has been observed in individual(s) with congenital myasthenic syndrome (PMID: 18161030). In at least one individual the data is consistent with being in trans (on the opposite chromosome) from a pathogenic variant. Algorithms developed to predict the effect of sequence changes on RNA splicing suggest that this variant may disrupt the consensus splice site. For these reasons, this variant has been classified as Pathogenic.

Baylor Genetics
Classification: Pathogenic for Fetal akinesia deformation sequence 3. Last evaluated: 2023-06-28. Review status: criteria provided, single submitter. Criteria: ACMG Guidelines, 2015. Collection method: clinical testing. Allele origin: unknown.

Revvity Omics, Revvity
Classification: Pathogenic. Last evaluated: 2019-09-26. Review status: criteria provided, single submitter. Criteria: ACMG Guidelines, 2015. Collection method: clinical testing. Allele origin: germline.

PreventionGenetics, part of Exact Sciences
Classification: Pathogenic for DOK7-related condition. Last evaluated: 2024-09-24. Review status: no assertion criteria provided. Collection method: clinical testing. Allele origin: germline. Not counted in ClinVar's aggregate classification.
Comment: The DOK7 c.480C>A variant is predicted to result in premature protein termination (p.Tyr160*). This variant has been reported in individuals with congenital myasthenic syndrome (Anderson et al. 2007. PubMed ID: 18161030, Xiong et al. 2015. PubMed ID: 25525159). This variant is reported in 0.0029% of alleles in individuals of Latino descent in gnomAD. Nonsense variants in DOK7 are expected to be pathogenic. This variant is interpreted as pathogenic.

Literature cited by the submitters: PubMed 16794080 (cited by Labcorp Genetics (formerly Invitae), Labcorp); PubMed 16917026 (cited by Labcorp Genetics (formerly Invitae), Labcorp); PubMed 18626973 (cited by Labcorp Genetics (formerly Invitae), Labcorp); PubMed 19261599 (cited by Labcorp Genetics (formerly Invitae), Labcorp); PubMed 18161030 (cited by Labcorp Genetics (formerly Invitae), Labcorp).

NM_173660.5(DOK7):c.480C>A (p.Tyr160Ter)

Gene: DOK7 (docking protein 7; plus strand). Cytogenetic location: 4p16.3.
Variant type: single nucleotide variant.
Coding change: c.480C>A on transcript NM_173660.5 (MANE Select); coding-DNA position 480, C replaced by A.
Protein change: p.Tyr160Ter; replaces tyrosine 160 with a stop codon.
Molecular consequence: nonsense. On other transcripts: intron variant (1).
Genome position (GRCh38, 1-based): chr4:3,476,490, C>A. VCF-style: chr4-3476490-C-A. GRCh37 (hg19) VCF-style: chr4-3478217-C-A.
Other names: c.480C>A, p.Tyr160Ter (NM_001164673.2, NM_001301071.2); c.101-9049C>A (NM_001363811.2); short protein forms Y160*.
Identifiers: ClinVar variation 950584 (VCV000950584.15), dbSNP rs550024569, ClinGen allele CA356114414.